The following is an entry in ClinVar:

NM_016239.4(MYO15A):c.6130del (p.Asp2044fs)

Gene: MYO15A (myosin XVA; plus strand). Cytogenetic location: 17p11.2.
Variant type: Deletion.
Coding change: c.6130del on transcript NM_016239.4 (MANE Select); coding-DNA position 6130, one base deleted (G; older notation c.6130delG).
Protein change: p.Asp2044fs; shifts the reading frame from aspartic acid 2044.
Molecular consequence: frameshift variant.
Genome position (GRCh38, 1-based): chr17:18,143,953, G deleted; the last of 2 consecutive G bases (chr17:18,143,952-18,143,953); deleting either gives the same sequence. VCF-style (leftmost placement, unchanged base first): chr17-18143951-TG-T. GRCh37 (hg19) VCF-style: chr17-18047265-TG-T.
Other names: c.6130delG (NM_016239.4); short protein forms D2044fs.
Identifiers: ClinVar variation 4848316 (VCV004848316.1).

ClinVar aggregate classification (germline): Pathogenic (1 of 4 stars; one submission).

Conditions:
Autosomal recessive nonsyndromic hearing loss 3. Also called: NEUROSENSORY NONSYNDROMIC RECESSIVE DEAFNESS 3. Identifiers: Orphanet 90636, MedGen C1838263, MONDO:0010860, OMIM 600316.

Submission:

Women's Health and Genetics/Laboratory Corporation of America, LabCorp
Classification: Pathogenic for Autosomal recessive nonsyndromic hearing loss 3. Last evaluated: 2026-02-17. Review status: criteria provided, single submitter. Criteria: LabCorp Variant Classification Summary - May 2015. Collection method: clinical testing. Allele origin: germline.
Comment: Variant summary: MYO15A c.6130delG (p.Asp2044ThrfsX23) results in a premature termination codon, predicted to cause a truncation of the encoded protein or absence of the protein due to nonsense mediated decay, which are commonly known mechanisms for disease. The variant allele was found at a frequency of 4.1e-06 in 245440 control chromosomes. To our knowledge, no occurrence of c.6130delG in individuals affected with MYO15A-related conditions and no experimental evidence demonstrating its impact on protein function have been reported. No submitters have cited clinical-significance assessments for this variant to ClinVar. Based on the evidence outlined above, the variant was classified as pathogenic.